The following is an entry in ClinVar:

ClinVar aggregate classification (germline): Pathogenic/Likely pathogenic. Review status: criteria provided, multiple submitters, no conflicts (2 of 4 stars). 3 submissions from 3 submitters: Pathogenic (1); Likely pathogenic (2). Last evaluated 2024-03-21.

Conditions:
Epilepsy, familial focal, with variable foci 2 (FFEVF2). Identifiers: MedGen C4310709, MONDO:0014924, OMIM 617116.

Submissions (3):

Laboratorio de Genetica e Diagnostico Molecular, Hospital Israelita Albert Einstein
Classification: Likely pathogenic for Epilepsy, familial focal, with variable foci 2. Last evaluated: 2024-03-21. Review status: criteria provided, single submitter. Criteria: ACMG Guidelines, 2015. Collection method: clinical testing. Allele origin: germline. Affected: yes.
Comment: ACMG classification criteria: PVS1 very strong, PM2 supporting

Mendelics
Classification: Pathogenic for Epilepsy, familial focal, with variable foci 2. Last evaluated: 2022-05-04. Review status: criteria provided, single submitter. Criteria: Mendelics Assertion Criteria 2019. Collection method: clinical testing. Allele origin: germline.

Rady Children's Institute for Genomic Medicine, Rady Children's Hospital San Diego
Classification: Likely pathogenic for EPILEPSY, FAMILIAL FOCAL, WITH VARIABLE FOCI 2. Last evaluated: 2019-10-04. Review status: criteria provided, single submitter. Criteria: ACMG Guidelines, 2015. Collection method: clinical testing. Allele origin: germline. Affected: yes.
Comment: This variant affects the canonical splice donor site of intron 9 and is therefore predicted to interfere with splicing and result in loss of normal protein function. This variant has not been previously reported or functionally characterized in the literature to our knowledge. It is absent from the ExAC and gnomAD population databases and thus is presumed to be rare. Multiple splice prediction tools suggest this variant is likely to interfere with normal splicing. This result was confirmed by Sanger sequencing. Based on the available evidence, the c.932+1G>A variant is classified as Likely Pathogenic.

NM_006545.5(NPRL2):c.932+1G>A

Gene: NPRL2 (NPR2 like, GATOR1 complex subunit; minus strand). Cytogenetic location: 3p21.31.
Variant type: single nucleotide variant.
Coding change: c.932+1G>A on transcript NM_006545.5 (MANE Select); the canonical splice donor site of the intron after coding-DNA position 932, G replaced by A.
Molecular consequence: splice donor variant.
Genome position (GRCh38, 1-based): chr3:50,348,123, C>T on the plus strand (G>A on the coding strand, the complement: NPRL2 is on the minus strand). VCF-style: chr3-50348123-C-T. GRCh37 (hg19) VCF-style: chr3-50385554-C-T.
Identifiers: ClinVar variation 986339 (VCV000986339.3), dbSNP rs1703621639, ClinGen allele CA352948291.